The following is an entry in ClinVar:

NM_015202.5(KATNIP):c.2564G>A (p.Arg855Lys)

Gene: KATNIP (katanin interacting protein; plus strand). Cytogenetic location: 16p12.1.
Variant type: single nucleotide variant.
Coding change: c.2564G>A on transcript NM_015202.5 (MANE Select); coding-DNA position 2564, G replaced by A.
Protein change: p.Arg855Lys; replaces arginine 855 with lysine.
Molecular consequence: missense variant.
Genome position (GRCh38, 1-based): chr16:27,740,861, G>A. VCF-style: chr16-27740861-G-A. GRCh37 (hg19) VCF-style: chr16-27752182-G-A.
Other names: short protein forms R855K.
Identifiers: ClinVar variation 3625655 (VCV003625655.2).

ClinVar aggregate classification (germline): Uncertain significance (1 of 4 stars; one submission).

gnomAD v4.1: 84 of 1,610,150 alleles (0.0052%); highest among the groups gnomAD compares: Non-Finnish European, 0.0011%; no homozygotes.

Submission:

Labcorp Genetics (formerly Invitae), Labcorp
Classification: Uncertain significance. Last evaluated: 2024-11-02. Review status: criteria provided, single submitter. Criteria: Invitae Variant Classification Sherloc (09022015). Collection method: clinical testing. Allele origin: germline.
Comment: This sequence change replaces arginine, which is basic and polar, with lysine, which is basic and polar, at codon 855 of the KIAA0556 protein (p.Arg855Lys). This variant is present in population databases (rs766551419, gnomAD 0.1%). This variant has not been reported in the literature in individuals affected with KIAA0556-related conditions. An algorithm developed to predict the effect of missense changes on protein structure and function (PolyPhen-2) suggests that this variant is likely to be disruptive. In summary, the available evidence is currently insufficient to determine the role of this variant in disease. Therefore, it has been classified as a Variant of Uncertain Significance.